The following is an entry in ClinVar:

ClinVar aggregate classification (germline): Uncertain significance (1 of 4 stars; one submission).

Allele frequency attached by ClinVar (database versions not stated): gnomAD exomes 0.00001.
gnomAD v4.1: 11 of 1,614,214 alleles (0.00068%); highest among the groups gnomAD compares: Non-Finnish European, 0.00093%; no homozygotes.

Submission:

Labcorp Genetics (formerly Invitae), Labcorp
Classification: Uncertain significance. Last evaluated: 2022-02-05. Review status: criteria provided, single submitter. Criteria: Invitae Variant Classification Sherloc (09022015). Collection method: clinical testing. Allele origin: germline.
Comment: This sequence change replaces glutamic acid, which is acidic and polar, with glycine, which is neutral and non-polar, at codon 350 of the TBCE protein (p.Glu350Gly). This variant is not present in population databases (gnomAD no frequency). This variant has not been reported in the literature in individuals affected with TBCE-related conditions. Algorithms developed to predict the effect of missense changes on protein structure and function output the following: SIFT: "Tolerated"; PolyPhen-2: "Benign"; Align-GVGD: "Class C0". The glycine amino acid residue is found in multiple mammalian species, which suggests that this missense change does not adversely affect protein function. In summary, the available evidence is currently insufficient to determine the role of this variant in disease. Therefore, it has been classified as a Variant of Uncertain Significance.

NM_003193.5(TBCE):c.1049A>G (p.Glu350Gly)

Gene: TBCE (tubulin folding cofactor E; plus strand). Cytogenetic location: 1q42.3.
Variant type: single nucleotide variant.
Coding change: c.1049A>G on transcript NM_003193.5 (MANE Select); coding-DNA position 1049, A replaced by G.
Protein change: p.Glu350Gly; replaces glutamic acid 350 with glycine.
Molecular consequence: missense variant.
Genome position (GRCh38, 1-based): chr1:235,437,407, A>G. VCF-style: chr1-235437407-A-G. GRCh37 (hg19) VCF-style: chr1-235600722-A-G.
Other names: c.1049A>G, p.Glu350Gly (NM_001079515.3); c.1202A>G, p.Glu401Gly (NM_001287801.2); c.710A>G, p.Glu237Gly (NM_001287802.2); short protein forms E237G, E350G, E401G.
Identifiers: ClinVar variation 2093426 (VCV002093426.1), dbSNP rs1681532160, ClinGen allele CA344942531.